The following is an entry in ClinVar:

NM_002734.5(PRKAR1A):c.214G>T (p.Gly72Cys)

Gene: PRKAR1A (protein kinase cAMP-dependent type I regulatory subunit alpha; plus strand). Cytogenetic location: 17q24.2.
Variant type: single nucleotide variant.
Coding change: c.214G>T on transcript NM_002734.5 (MANE Select); coding-DNA position 214, G replaced by T.
Protein change: p.Gly72Cys; replaces glycine 72 with cysteine.
Molecular consequence: missense variant.
Genome position (GRCh38, 1-based): chr17:68,522,792, G>T. VCF-style: chr17-68522792-G-T. GRCh37 (hg19) VCF-style: chr17-66518933-G-T.
Other names: c.214G>T, p.Gly72Cys (NM_001276289.2, NM_001276290.1, NM_001278433.2 and 4 more transcripts); short protein forms G72C.
Identifiers: ClinVar variation 5027317 (VCV005027317.1).

ClinVar aggregate classification (germline): Uncertain significance (1 of 4 stars; one submission).

Conditions:
Hereditary cancer-predisposing syndrome. Also called: Neoplastic Syndromes, Hereditary; Tumor predisposition; Hereditary neoplastic syndrome; Hereditary Cancer Syndrome. Identifiers: Orphanet 140162, MedGen C0027672, MeSH D009386, MONDO:0015356.

Submission:

Ambry Genetics
Classification: Uncertain significance for Hereditary cancer-predisposing syndrome. Last evaluated: 2026-07-06. Review status: criteria provided, single submitter. Criteria: Ambry Variant Classification Scheme 2023. Collection method: clinical testing. Allele origin: germline.
Comment: The p.G72C variant (also known as c.214G>T), located in coding exon 2 of the PRKAR1A gene, results from a G to T substitution at nucleotide position 214. The glycine at codon 72 is replaced by cysteine, an amino acid with highly dissimilar properties. This amino acid position is conserved. In addition, the in silico prediction for this alteration is inconclusive. Based on the available evidence, the clinical significance of this variant remains unclear.